The following is an entry in ClinVar:

ClinVar aggregate classification (germline): Uncertain significance (1 of 4 stars; one submission).

Conditions:
Familial adenomatous polyposis 1 (FAP1). Also called: FAMILIAL ADENOMATOUS POLYPOSIS 1, ATTENUATED; POLYPOSIS, ADENOMATOUS INTESTINAL. Identifiers: MedGen C2713442, MONDO:0021056, OMIM 175100. Disease mechanism: loss of function.

Allele frequency attached by ClinVar (database versions not stated): TOPMed below 0.00001.
gnomAD v4.1: 2 of 1,359,456 alleles (0.00015%); highest among the groups gnomAD compares: Non-Finnish European, 0.00019%; no homozygotes.

Submission:

Labcorp Genetics (formerly Invitae), Labcorp
Classification: Uncertain significance for Familial adenomatous polyposis 1. Last evaluated: 2022-11-02. Review status: criteria provided, single submitter. Criteria: Invitae Variant Classification Sherloc (09022015). Collection method: clinical testing. Allele origin: germline.
Comment: Experimental studies and prediction algorithms are not available or were not evaluated, and the functional significance of this variant is currently unknown. This variant has not been reported in the literature in individuals affected with APC-related conditions. This variant is not present in population databases (gnomAD no frequency). This variant occurs in a non-coding region of the APC gene. It does not change the encoded amino acid sequence of the APC protein. In summary, the available evidence is currently insufficient to determine the role of this variant in disease. Therefore, it has been classified as a Variant of Uncertain Significance.

NM_001127511.3(APC):c.-73C>T

Gene: APC (APC regulator of Wnt signaling pathway; plus strand). Cytogenetic location: 5q22.2.
Variant type: single nucleotide variant.
Coding change: c.-73C>T on transcript NM_001127511.3; 73 bases upstream of the start codon, C replaced by T.
Molecular consequence: 5 prime UTR variant. On other transcripts: non-coding transcript variant (2).
Genome position (GRCh38, 1-based): chr5:112,707,645, C>T. VCF-style: chr5-112707645-C-T. GRCh37 (hg19) VCF-style: chr5-112043342-C-T.
Other names: c.-256C>T (NM_001354895.2, NM_001407447.1, NM_001407452.1 and 3 more transcripts); c.-73C>T (NM_001354897.2, NM_001354902.2, NM_001407446.1); c.-23C>T (NM_001407448.1, NM_001407450.1, NM_001407457.1 and 1 more transcripts); c.-47C>T (NM_001407453.1); c.-1291C>T (NM_001407470.1, NM_001407472.1).
Identifiers: ClinVar variation 1961370 (VCV001961370.5), dbSNP rs1415610352, ClinGen allele CA802057222.